The following is an entry in ClinVar:

NM_000390.4(CHM):c.1156_1157delinsGC (p.Cys386Ala)

Gene: CHM (CHM Rab escort protein; minus strand). Cytogenetic location: Xq21.2.
Variant type: Indel.
Coding change: c.1156_1157delinsGC on transcript NM_000390.4 (MANE Select); coding-DNA positions 1156 to 1157, TG replaced by GC.
Protein change: p.Cys386Ala; replaces cysteine 386 with alanine.
Molecular consequence: missense variant.
Genome position (GRCh38, 1-based): chrX:85,956,162-85,956,163, CA replaced by GC on the plus strand (TG replaced by GC on the coding strand, the reverse complement: CHM is on the minus strand). VCF-style: chrX-85956162-CA-GC. GRCh37 (hg19) VCF-style: chrX-85211167-CA-GC.
Other names: c.712_713delinsGC, p.Cys238Ala (NM_001320959.1, NM_001362517.1, NM_001362518.2 and 1 more transcripts); short protein forms C238A, C386A.
Identifiers: ClinVar variation 4732833 (VCV004732833.1).
Genomic context (GRCh38, chrX:85,956,162, plus strand): 5'-TTATTCAAGTATCACTTTTAGAAGGGACAAGAAAATCAATGGCAAACTTACCTGCAGAAA[CA>GC]CTGGGGGAGTTCTCCTTGGCCATATAAAGGAAACAAAAATGGAGTGTTGCCATACCGCCC-3'
Protein context (NP_000381.1, residues 376-396): PLYGQGELPQ[Cys386Ala]FCRMCAVFGG

ClinVar aggregate classification (germline): Uncertain significance (1 of 4 stars; one submission).

Submission:

Labcorp Genetics (formerly Invitae), Labcorp
Classification: Uncertain significance. Last evaluated: 2025-12-14. Review status: criteria provided, single submitter. Criteria: Invitae Variant Classification Sherloc (09022015). Collection method: clinical testing. Allele origin: germline.
Comment: This sequence change replaces cysteine, which is neutral and slightly polar, with alanine, which is neutral and non-polar, at codon 386 of the CHM protein (p.Cys386Ala). Information on the frequency of this variant in the gnomAD database is not available, as this variant may be reported differently in the database. This variant has not been reported in the literature in individuals affected with CHM-related conditions. An algorithm developed to predict the effect of missense changes on protein structure and function (PolyPhen-2) suggests that this variant is likely to be disruptive. In summary, the available evidence is currently insufficient to determine the role of this variant in disease. Therefore, it has been classified as a Variant of Uncertain Significance.